The following is an entry in ClinVar:

NM_000523.4(HOXD13):c.916C>T (p.Arg306Trp)

Gene: HOXD13 (homeobox D13; plus strand). Cytogenetic location: 2q31.1.
Variant type: single nucleotide variant.
Coding change: c.916C>T on transcript NM_000523.4 (MANE Select); coding-DNA position 916, C replaced by T.
Protein change: p.Arg306Trp; replaces arginine 306 with tryptophan.
Molecular consequence: missense variant.
Genome position (GRCh38, 1-based): chr2:176,094,614, C>T. VCF-style: chr2-176094614-C-T. GRCh37 (hg19) VCF-style: chr2-176959342-C-T.
Other names: R298W; c.916C>T (NM_000523.3); short protein forms R306W.
Identifiers: ClinVar variation 14872 (VCV000014872.6), dbSNP rs28933082, ClinGen allele CA124417.

ClinVar aggregate classification (germline): Pathogenic/Likely pathogenic. Review status: criteria provided, multiple submitters, no conflicts (2 of 4 stars). 5 submissions from 5 submitters: Pathogenic (3); Likely pathogenic (1). 1 of the submissions does not count toward it. Last evaluated 2025-07-27.

Conditions:
Synpolydactyly type 1. Identifiers: Orphanet 295195, MedGen C5574994, MONDO:0008513, OMIM 186000.
Brachydactyly type E1 (BDE1). Identifiers: Orphanet 93387, MedGen C1862102, MONDO:0007223, OMIM 113300.

Allele frequency attached by ClinVar (database versions not stated): gnomAD exomes below 0.00001; gnomAD 0.00001.
gnomAD v4.1: 2 of 1,613,914 alleles (0.00012%); highest among the groups gnomAD compares: Admixed American, 0.0017%; no homozygotes.

Submissions (5):

GeneDx
Classification: Pathogenic. Last evaluated: 2025-07-27. Review status: criteria provided, single submitter. Criteria: GeneDx Variant Classification Process June 2021. Collection method: clinical testing. Allele origin: germline. Affected: yes.
Comment: Published functional studies demonstrate a damaging effect: p.(R306W) resulted in altered binding specificity (PMID: 27013732); Not observed at significant frequency in large population cohorts (gnomAD); In silico analysis supports that this missense variant has a deleterious effect on protein structure/function; Also known as R31W; This variant is associated with the following publications: (PMID: 12414828, 38600112, 27013732)

Genomic Medicine Center of Excellence, King Faisal Specialist Hospital and Research Centre
Classification: Pathogenic for Synpolydactyly type 1. Last evaluated: 2024-03-25. Review status: criteria provided, single submitter. Criteria: ACMG Guidelines, 2015. Collection method: clinical testing. Allele origin: germline.

Baylor Genetics
Classification: Pathogenic for Brachydactyly type E1. Last evaluated: 2023-10-07. Review status: criteria provided, single submitter. Criteria: ACMG Guidelines, 2015. Collection method: clinical testing. Allele origin: unknown.

Institute of Human Genetics, University of Leipzig Medical Center
Classification: Likely pathogenic for Synpolydactyly type 1. Last evaluated: 2021-07-21. Review status: criteria provided, single submitter. Criteria: ACMG Guidelines, 2015. Collection method: clinical testing. Allele origin: unknown. Affected: yes.

OMIM
Classification: Pathogenic for SYNPOLYDACTYLY 1. Last evaluated: 2002-11-01. Review status: no assertion criteria provided. Collection method: literature only. Allele origin: germline. Not counted in ClinVar's aggregate classification.

Literature cited by the submitters: PubMed 12414828 (cited by OMIM).